The following is an entry in ClinVar:

NM_000441.2(SLC26A4):c.2147A>G (p.Asp716Gly)

Genes: SLC26A4 (solute carrier family 26 member 4; plus strand), LOC123956210 (Sharpr-MPRA regulatory region 3291; plus strand). Cytogenetic location: 7q22.3.
Variant type: single nucleotide variant.
Coding change: c.2147A>G on transcript NM_000441.2 (MANE Select); coding-DNA position 2147, A replaced by G.
Protein change: p.Asp716Gly; replaces aspartic acid 716 with glycine.
Molecular consequence: missense variant.
Genome position (GRCh38, 1-based): chr7:107,710,111, A>G. VCF-style: chr7-107710111-A-G. GRCh37 (hg19) VCF-style: chr7-107350556-A-G.
Other names: short protein forms D716G.
Identifiers: ClinVar variation 4687545 (VCV004687545.1).

ClinVar aggregate classification (germline): Uncertain significance (1 of 4 stars; one submission).

gnomAD v4.1: 8 of 1,610,718 alleles (0.0005%); highest among the groups gnomAD compares: East Asian, 0.0067%; no homozygotes.

Submission:

Women's Health and Genetics/Laboratory Corporation of America, LabCorp
Classification: Uncertain significance. Last evaluated: 2025-10-06. Review status: criteria provided, single submitter. Criteria: LabCorp Variant Classification Summary - May 2015. Collection method: clinical testing. Allele origin: germline.
Comment: Variant summary: SLC26A4 c.2147A>G (p.Asp716Gly) results in a non-conservative amino acid change in the encoded protein sequence. Algorithms developed to predict the effect of missense changes on protein structure and function all suggest that this variant is likely to be disruptive. The variant was absent in 251288 control chromosomes. The available data on variant occurrences in the general population are insufficient to allow any conclusion about variant significance. c.2147A>G has been observed in a compound heterozygous individual affected with Sporadic Hearing Loss with Enlargement of the Vestibular Aqueduct (Sakuma_2016). These data do not allow any conclusion about variant significance. To our knowledge, no experimental evidence demonstrating an impact on protein function has been reported. The following publication have been ascertained in the context of this evaluation (PMID: 26763877). No submitters have cited clinical-significance assessments for this variant to ClinVar. Based on the evidence outlined above, the variant was classified as uncertain significance.

Literature cited by the submitters: PubMed 26763877.